The following is an entry in ClinVar:

NM_005629.4(SLC6A8):c.1131G>A (p.Val377=)

Gene: SLC6A8 (solute carrier family 6 member 8; plus strand). Cytogenetic location: Xq28.
Variant type: single nucleotide variant.
Coding change: c.1131G>A on transcript NM_005629.4 (MANE Select); coding-DNA position 1131, G replaced by A.
Protein change: p.Val377=; no amino-acid change (valine 377 retained).
Molecular consequence: synonymous variant.
Genome position (GRCh38, 1-based): chrX:153,693,576, G>A. VCF-style: chrX-153693576-G-A. GRCh37 (hg19) VCF-style: chrX-152959031-G-A.
Other names: c.1101G>A, p.Val367= (NM_001142805.2); c.786G>A, p.Val262= (NM_001142806.1).
Identifiers: ClinVar variation 1311365 (VCV001311365.4), dbSNP rs1569539384, ClinGen allele CA415085909.

ClinVar aggregate classification (germline): Uncertain significance. Review status: criteria provided, multiple submitters, no conflicts (2 of 4 stars). 2 submissions from 2 submitters: Uncertain significance (2). Last evaluated 2024-07-19.

Conditions:
Creatine transporter deficiency (CCDS1). Also called: Creatine Transporter (CRTR) Deficiency; Mental retardation , X-linked with seizures, short stature and midface hypoplasia; Mental retardation , X-linked, with creatine transport deficiency; X-linked creatine transporter deficiency; X-linked creatine deficiency syndrome; CEREBRAL CREATINE DEFICIENCY SYNDROME 1. Identifiers: Orphanet 52503, MedGen C1845862, MONDO:0010305, OMIM 300352.

Allele frequency attached by ClinVar (database versions not stated): gnomAD exomes below 0.00001 and 0.00001; gnomAD 0.00001; TOPMed 0.00002.
gnomAD v4.1: 2 of 1,209,457 alleles (0.00017%); highest among the groups gnomAD compares: Admixed American, 0.0022%; no homozygotes.

Submissions (2):

Labcorp Genetics (formerly Invitae), Labcorp
Classification: Uncertain significance for Creatine transporter deficiency. Last evaluated: 2024-07-19. Review status: criteria provided, single submitter. Criteria: Invitae Variant Classification Sherloc (09022015). Collection method: clinical testing. Allele origin: germline.
Comment: This sequence change affects codon 377 of the SLC6A8 mRNA. It is a 'silent' change, meaning that it does not change the encoded amino acid sequence of the SLC6A8 protein. This variant is not present in population databases (gnomAD no frequency). This variant has not been reported in the literature in individuals affected with SLC6A8-related conditions. ClinVar contains an entry for this variant (Variation ID: 1311365). Algorithms developed to predict the effect of sequence changes on RNA splicing suggest that this variant may create or strengthen a splice site. In summary, the available evidence is currently insufficient to determine the role of this variant in disease. Therefore, it has been classified as a Variant of Uncertain Significance.

GeneDx
Classification: Uncertain significance. Last evaluated: 2020-01-18. Review status: criteria provided, single submitter. Criteria: GeneDx Variant Classification Process June 2021. Collection method: clinical testing. Allele origin: germline. Affected: yes.
Comment: Has not been previously published as pathogenic or benign to our knowledge; In silico analysis, which includes splice predictors and evolutionary conservation, suggests this variant may impact gene splicing. In the absence of RNA/functional studies, the actual effect of this sequence change is unknown.